The following is an entry in ClinVar:

NM_001013838.3(CARMIL2):c.1263C>T (p.Phe421=)

Gene: CARMIL2 (capping protein regulator and myosin 1 linker 2; plus strand). Cytogenetic location: 16q22.1.
Variant type: single nucleotide variant.
Coding change: c.1263C>T on transcript NM_001013838.3 (MANE Select); coding-DNA position 1263, C replaced by T.
Protein change: p.Phe421=; no amino-acid change (phenylalanine 421 retained).
Molecular consequence: synonymous variant.
Genome position (GRCh38, 1-based): chr16:67,648,243, C>T. VCF-style: chr16-67648243-C-T. GRCh37 (hg19) VCF-style: chr16-67682146-C-T.
Other names: c.1155C>T, p.Phe385= (NM_001317026.3).
Identifiers: ClinVar variation 2760700 (VCV002760700.3), dbSNP rs2052638923, ClinGen allele CA496086326.

ClinVar aggregate classification (germline): Uncertain significance (1 of 4 stars; one submission).

Submission:

Labcorp Genetics (formerly Invitae), Labcorp
Classification: Uncertain significance. Last evaluated: 2023-05-23. Review status: criteria provided, single submitter. Criteria: Invitae Variant Classification Sherloc (09022015). Collection method: clinical testing. Allele origin: germline.
Comment: In summary, the available evidence is currently insufficient to determine the role of this variant in disease. Therefore, it has been classified as a Variant of Uncertain Significance. Algorithms developed to predict the effect of sequence changes on RNA splicing suggest that this variant may create or strengthen a splice site. This variant has not been reported in the literature in individuals affected with CARMIL2-related conditions. This variant is not present in population databases (gnomAD no frequency). This sequence change affects codon 421 of the CARMIL2 mRNA. It is a 'silent' change, meaning that it does not change the encoded amino acid sequence of the CARMIL2 protein.